The following is an entry in ClinVar:

NM_006348.5(COG5):c.1588G>A (p.Gly530Arg)

Genes: COG5 (component of oligomeric golgi complex 5; minus strand), LOC129389837 (MPRA-validated peak6677 silencer; plus strand). Cytogenetic location: 7q22.3.
Variant type: single nucleotide variant.
Coding change: c.1588G>A on transcript NM_006348.5 (MANE Select); coding-DNA position 1588, G replaced by A.
Protein change: p.Gly530Arg; replaces glycine 530 with arginine.
Molecular consequence: missense variant. On other transcripts: intron variant (1).
Genome position (GRCh38, 1-based): chr7:107,258,371, C>T on the plus strand (G>A on the coding strand, the complement: COG5 is on the minus strand). VCF-style: chr7-107258371-C-T. GRCh37 (hg19) VCF-style: chr7-106898816-C-T.
Other names: c.1588G>A, p.Gly530Arg (NM_001161520.2, NM_001379513.1, NM_001379514.1 and 1 more transcripts); c.1426G>A, p.Gly476Arg (NM_001379511.1); c.1018G>A, p.Gly340Arg (NM_001379515.1); c.874G>A, p.Gly292Arg (NM_001379516.1); c.1576-9872G>A (NM_001379512.1); short protein forms G292R, G476R, G340R, G530R.
Identifiers: ClinVar variation 2067677 (VCV002067677.4), dbSNP rs565689776, ClinGen allele CA4430853.
Genomic context (GRCh38, chr7:107,258,371, plus strand): 5'-CTACTGCCACATTTCTTCTCTGTCCTTCAGTAAGAGGCCCAATCACCTGACTTGCATCTC[C>T]TTGTGTGGAGAGCTGTAAGAATTCAATTTCAAAAGAATGTGTCAGAATGATAATTCTCTC-3'
Protein context (NP_006339.4, residues 520-540): VKSEQLLSTQ[Gly530Arg]DASQVIGPLT

ClinVar aggregate classification (germline): Uncertain significance (1 of 4 stars; one submission).

Conditions:
COG5-congenital disorder of glycosylation. Also called: CDG IIi; CONGENITAL DISORDER OF GLYCOSYLATION, TYPE IIi; COG5-CDG. Identifiers: Orphanet 263487, MedGen C3150876, MONDO:0013325, OMIM 613612.

Allele frequency attached by ClinVar (database versions not stated): ExAC 0.00001; gnomAD 0.00001; TOPMed 0.00002; 1000 Genomes Project 0.00020; 1000 Genomes Project 30x 0.00031.

Submission:

Labcorp Genetics (formerly Invitae), Labcorp
Classification: Uncertain significance for COG5-congenital disorder of glycosylation. Last evaluated: 2022-04-18. Review status: criteria provided, single submitter. Criteria: Invitae Variant Classification Sherloc (09022015). Collection method: clinical testing. Allele origin: germline.
Comment: This variant has not been reported in the literature in individuals affected with COG5-related conditions. This sequence change replaces glycine, which is neutral and non-polar, with arginine, which is basic and polar, at codon 561 of the COG5 protein (p.Gly561Arg). This variant is present in population databases (rs565689776, gnomAD 0.007%). Algorithms developed to predict the effect of missense changes on protein structure and function are either unavailable or do not agree on the potential impact of this missense change (SIFT: "Tolerated"; PolyPhen-2: "Probably Damaging"; Align-GVGD: "Class C0"). In summary, the available evidence is currently insufficient to determine the role of this variant in disease. Therefore, it has been classified as a Variant of Uncertain Significance.